The following is an entry in ClinVar:

NM_004385.5(VCAN):c.5705C>T (p.Thr1902Ile)

Genes: VCAN (versican; plus strand), VCAN-AS1 (VCAN antisense RNA 1; minus strand). Cytogenetic location: 5q14.3.
Variant type: single nucleotide variant.
Coding change: c.5705C>T on transcript NM_004385.5 (MANE Select); coding-DNA position 5705, C replaced by T.
Protein change: p.Thr1902Ile; replaces threonine 1902 with isoleucine.
Molecular consequence: missense variant. On other transcripts: intron variant (2).
Genome position (GRCh38, 1-based): chr5:83,538,708, C>T. VCF-style: chr5-83538708-C-T. GRCh37 (hg19) VCF-style: chr5-82834527-C-T.
Other names: c.2744C>T, p.Thr915Ile (NM_001164097.2); c.4004-6829C>T (NM_001164098.2); c.1043-6829C>T (NM_001126336.3); short protein forms T1902I, T915I.
Identifiers: ClinVar variation 1700878 (VCV001700878.2), dbSNP rs1746831730, ClinGen allele CA360310974.
Genomic context (GRCh38, chr5:83,538,708, plus strand): 5'-CAACAGGACTGGTTTTGAGTACAGTAATGGACAGAGTAGTTGCTGAAAATATAACCCAAA[C>T]ATCCAGGGAAATAGTGATTTCAGAGCGATTAGGAGAACCAAATTATGGGGCAGAAATAAG-3'
Protein context (NP_004376.2, residues 1892-1912): DRVVAENITQ[Thr1902Ile]SREIVISERL

ClinVar aggregate classification (germline): Uncertain significance (1 of 4 stars; one submission).

Allele frequency attached by ClinVar (database versions not stated): gnomAD exomes below 0.00001; gnomAD 0.00001.
gnomAD v4.1: 2 of 1,613,954 alleles (0.00012%); highest among the groups gnomAD compares: Non-Finnish European, 0.00017%; no homozygotes.

Submission:

GeneDx
Classification: Uncertain significance. Last evaluated: 2022-02-14. Review status: criteria provided, single submitter. Criteria: GeneDx Variant Classification Process June 2021. Collection method: clinical testing. Allele origin: germline. Affected: yes.
Comment: Has not been previously published as pathogenic or benign to our knowledge; In silico analysis supports that this missense variant does not alter protein structure/function; Not observed at significant frequency in large population cohorts (gnomAD)